The following is an entry in ClinVar:

ClinVar aggregate classification (germline): Uncertain significance (1 of 4 stars; one submission).

Conditions:
RP1L1-related disorder. Also called: RP1L1-related condition.

Submission:

PreventionGenetics, part of Exact Sciences
Classification: Uncertain significance for RP1L1-related condition. Last evaluated: 2026-04-20. Review status: criteria provided, single submitter. Criteria: ACMG Guidelines, 2015. Collection method: clinical testing. Allele origin: germline.
Comment: The RP1L1 c.3890T>G variant is predicted to result in the amino acid substitution p.Val1297Gly. To our knowledge, this variant has not been reported in the literature. This variant is reported in 0.051% of alleles in individuals of African descent in gnomAD, which may be too frequent to be a primary cause of disease. Although we suspect that this variant may be benign, at this time, the clinical significance of this variant is uncertain due to the absence of conclusive functional and genetic evidence.

NM_178857.6(RP1L1):c.3890T>G (p.Val1297Gly)

Gene: RP1L1 (RP1 like 1). Cytogenetic location: 8p23.1.
Variant type: single nucleotide variant.
Coding change: c.3890T>G on transcript NM_178857.6 (MANE Select); coding-DNA position 3890, T replaced by G.
Protein change: p.Val1297Gly; replaces valine 1297 with glycine.
Molecular consequence: missense variant.
Genome position (GRCh38, 1-based): chr8:10,610,208, A>C on the plus strand (T>G on the coding strand, the complement: RP1L1 is on the minus strand). VCF-style: chr8-10610208-A-C. GRCh37 (hg19) VCF-style: chr8-10467718-A-C.
Other names: short protein forms V1297G.
Identifiers: ClinVar variation 4982471 (VCV004982471.1).
Genomic context (GRCh38, chr8:10,610,208, plus strand): 5'-TCTTGCAGCCCTTCTCCTTCTGTTCCTTCTTTAGTTTCCTCTAATTGCACCTCTTCTTGC[A>C]CTGTGTTTTCAGCTAACTGCTCCAGGTTCGAGCTCGCCCTCTGCTCCTCACTGTCTCTTT-3'
Protein context (NP_849188.4, residues 1287-1307): SNLEQLAENT[Val1297Gly]QEEVQLEETK